The following is an entry in ClinVar:

NM_001242896.3(DEPDC5):c.*247C>T

Gene: DEPDC5 (DEP domain containing 5, GATOR1 subcomplex subunit; plus strand). Cytogenetic location: 22q12.3.
Variant type: single nucleotide variant.
Coding change: c.*247C>T on transcript NM_001242896.3 (MANE Select); 247 bases downstream of the stop codon, C replaced by T.
Molecular consequence: 3 prime UTR variant. On other transcripts: non-coding transcript variant (5).
Genome position (GRCh38, 1-based): chr22:31,906,744, C>T. VCF-style: chr22-31906744-C-T. GRCh37 (hg19) VCF-style: chr22-32302730-C-T.
Other names: c.*247C>T (NM_001136029.4, NM_001242897.2, NM_001363852.2 and 8 more transcripts).
Identifiers: ClinVar variation 1179942 (VCV001179942.5), dbSNP rs5998170, ClinGen allele CA16598231.
Genomic context (GRCh38, chr22:31,906,744, plus strand): 5'-CTAGAAGAAAGACTTTGGAAGCAGCTGCTGCTGCTGCCACCACTCCTGTCAGCAAGTGCT[C>T]AGAGCAGGTGGGAGGCACAGATTGTCCGTGGGAGGGCTCCAGTGTCTGGGAAGAGGGCAG-3'

ClinVar aggregate classification (germline): Benign. Review status: criteria provided, multiple submitters, no conflicts (2 of 4 stars). 3 submissions from 3 submitters: Benign (3). Last evaluated 2024-07-15.

Allele frequency attached by ClinVar (database versions not stated): gnomAD exomes 0.11841; 1000 Genomes Project 30x 0.14741; 1000 Genomes Project 0.14776; gnomAD 0.14871 and 0.15242; TOPMed 0.14947.

Submissions (3):

Unidad de Genómica Garrahan, Hospital de Pediatría Garrahan
Classification: Benign. Last evaluated: 2024-07-15. Review status: criteria provided, single submitter. Criteria: ACMG Guidelines, 2015. Collection method: clinical testing. Allele origin: germline. Affected: no. Observed: 25 variant alleles.
Comment: This variant is classified as Benign based on local population frequency. This variant was detected in 27% of patients studied in a panel designed for Epileptic and Developmental Encephalopathy and Progressive Myoclonus Epilepsy. Number of patients: 25. Only high quality variants are reported.

GeneDx
Classification: Benign. Last evaluated: 2018-07-15. Review status: criteria provided, single submitter. Criteria: GeneDx Variant Classification Process June 2021. Collection method: clinical testing. Allele origin: germline. Affected: yes.

Breakthrough Genomics
Classification: Benign. Review status: criteria provided, single submitter. Criteria: ACMG Guidelines, 2015. Collection method: not provided. Allele origin: germline. Inheritance: Autosomal dominant inheritance. Affected: yes.